The following is an entry in ClinVar:

ClinVar aggregate classification (germline): Uncertain significance (1 of 4 stars; one submission).

gnomAD v4.1: 10 of 1,613,424 alleles (0.00062%); highest among the groups gnomAD compares: Non-Finnish European, 0.00068%; no homozygotes.

Submission:

Labcorp Genetics (formerly Invitae), Labcorp
Classification: Uncertain significance. Last evaluated: 2022-03-09. Review status: criteria provided, single submitter. Criteria: Invitae Variant Classification Sherloc (09022015). Collection method: clinical testing. Allele origin: germline.
Comment: This variant is not present in population databases (gnomAD no frequency). In summary, the available evidence is currently insufficient to determine the role of this variant in disease. Therefore, it has been classified as a Variant of Uncertain Significance. Variants that disrupt the consensus splice site are a relatively common cause of aberrant splicing (PMID: 17576681, 9536098). Algorithms developed to predict the effect of sequence changes on RNA splicing suggest that this variant is not likely to affect RNA splicing. This variant has not been reported in the literature in individuals affected with CDHR1-related conditions. This sequence change falls in intron 12 of the CDHR1 gene. It does not directly change the encoded amino acid sequence of the CDHR1 protein. It affects a nucleotide within the consensus splice site.

Literature cited by the submitters: PubMed 17576681; PubMed 9536098.

NM_033100.4(CDHR1):c.1320+4G>A

Gene: CDHR1 (cadherin related family member 1; plus strand). Cytogenetic location: 10q23.1.
Variant type: single nucleotide variant.
Coding change: c.1320+4G>A on transcript NM_033100.4 (MANE Select); 4 bases into the intron after coding-DNA position 1320, G replaced by A.
Molecular consequence: intron variant.
Genome position (GRCh38, 1-based): chr10:84,208,885, G>A. VCF-style: chr10-84208885-G-A. GRCh37 (hg19) VCF-style: chr10-85968641-G-A.
Other names: c.1320+4G>A (NM_001171971.3).
Identifiers: ClinVar variation 1944102 (VCV001944102.3), dbSNP rs370677921, ClinGen allele CA2574597568.